The following is an entry in ClinVar:

ClinVar aggregate classification (germline): Uncertain significance (1 of 4 stars; one submission).

Conditions:
Menkes kinky-hair syndrome (MNK). Also called: Copper transport disease; Menkes Disease; Classic Menkes Disease. Identifiers: Orphanet 565, MedGen C0022716, MONDO:0010651, OMIM 309400.
Cutis laxa, X-linked (OHS). Also called: EDS IX; Occipital horn syndrome. Identifiers: Orphanet 198, MedGen C0268353, MONDO:0010572, OMIM 304150.
X-linked distal spinal muscular atrophy type 3. Also called: SPINAL MUSCULAR ATROPHY, DISTAL, X-LINKED RECESSIVE; NEURONOPATHY, DISTAL HEREDITARY MOTOR, X-LINKED; NEUROPATHY, DISTAL HEREDITARY MOTOR, X-LINKED; ATP7A-Related Distal Motor Neuropathy. Identifiers: Orphanet 139557, MedGen C1845359, MONDO:0010338, OMIM 300489.

Allele frequency attached by ClinVar (database versions not stated): gnomAD exomes below 0.00001.
gnomAD v4.1: 2 of 1,211,250 alleles (0.00017%); highest among the groups gnomAD compares: South Asian, 0.0035%; no homozygotes.

Submission:

Labcorp Genetics (formerly Invitae), Labcorp
Classification: Uncertain significance for X-linked distal spinal muscular atrophy type 3; Cutis laxa, X-linked; Menkes kinky-hair syndrome. Last evaluated: 2022-04-20. Review status: criteria provided, single submitter. Criteria: Invitae Variant Classification Sherloc (09022015). Collection method: clinical testing. Allele origin: germline.
Comment: This sequence change replaces methionine, which is neutral and non-polar, with isoleucine, which is neutral and non-polar, at codon 225 of the ATP7A protein (p.Met225Ile). This variant is not present in population databases (gnomAD no frequency). This variant has not been reported in the literature in individuals affected with ATP7A-related conditions. Advanced modeling of protein sequence and biophysical properties (such as structural, functional, and spatial information, amino acid conservation, physicochemical variation, residue mobility, and thermodynamic stability) performed at Invitae indicates that this missense variant is not expected to disrupt ATP7A protein function. In summary, the available evidence is currently insufficient to determine the role of this variant in disease. Therefore, it has been classified as a Variant of Uncertain Significance.

NM_000052.7(ATP7A):c.675G>A (p.Met225Ile)

Gene: ATP7A (ATPase copper transporting alpha; plus strand). Cytogenetic location: Xq21.1.
Variant type: single nucleotide variant.
Coding change: c.675G>A on transcript NM_000052.7 (MANE Select); coding-DNA position 675, G replaced by A.
Protein change: p.Met225Ile; replaces methionine 225 with isoleucine.
Molecular consequence: missense variant.
Genome position (GRCh38, 1-based): chrX:77,989,297, G>A. VCF-style: chrX-77989297-G-A. GRCh37 (hg19) VCF-style: chrX-77244793-G-A.
Other names: c.675G>A, p.Met225Ile (NM_001282224.2); short protein forms M225I.
Identifiers: ClinVar variation 2159332 (VCV002159332.1), dbSNP rs2522292719, ClinGen allele CA413600557.